The following is an entry in ClinVar:

NM_001276343.3(AGAP4):c.1157G>T (p.Ser386Ile)

Gene: AGAP4 (ArfGAP with GTPase domain, ankyrin repeat and PH domain 4; minus strand). Cytogenetic location: 10q11.22.
Variant type: single nucleotide variant.
Coding change: c.1157G>T on transcript NM_001276343.3 (MANE Select); coding-DNA position 1157, G replaced by T.
Protein change: p.Ser386Ile; replaces serine 386 with isoleucine.
Molecular consequence: missense variant. On other transcripts: non-coding transcript variant (3), 3 prime UTR variant (1).
Genome position (GRCh38, 1-based): chr10:45,826,819, C>A on the plus strand (G>T on the coding strand, the complement: AGAP4 is on the minus strand). VCF-style: chr10-45826819-C-A. GRCh37 (hg19) VCF-style: chr10-46322267-C-A.
Other names: c.833G>T, p.Ser278Ile (NM_001291379.2); c.1040G>T, p.Ser347Ile (NM_001393377.1); c.*610G>T (NM_001393378.1); c.1088G>T, p.Ser363Ile (NM_133446.4); short protein forms S278I, S347I, S363I, S386I.
Identifiers: ClinVar variation 2640431 (VCV002640431.24), dbSNP rs200665580, ClinGen allele CA5483410.

ClinVar aggregate classification (germline): Likely benign (1 of 4 stars; one submission).

Allele frequency attached by ClinVar (database versions not stated): gnomAD exomes 0.00276; gnomAD 0.00280; 1000 Genomes Project 30x 0.00406; ExAC 0.00709.
gnomAD v4.1: 4,175 of 1,507,726 alleles (0.28%); highest among the groups gnomAD compares: Non-Finnish European, 0.32%; 187 homozygotes.

Submission:

CeGaT Center for Human Genetics Tuebingen
Classification: Likely benign. Last evaluated: 2024-12-01. Review status: criteria provided, single submitter. Criteria: CeGaT Center For Human Genetics Tuebingen Variant Classification Criteria Version 2. Collection method: clinical testing. Allele origin: germline. Affected: yes. Observed: 2 variant alleles.
Comment: AGAP4: BP4, BS2